The following is an entry in ClinVar:

ClinVar aggregate classification (germline): Uncertain significance (1 of 4 stars; one submission).

Submission:

GeneDx
Classification: Uncertain significance. Last evaluated: 2025-07-23. Review status: criteria provided, single submitter. Criteria: GeneDx Variant Classification Process June 2021. Collection method: clinical testing. Allele origin: germline. Affected: yes.
Comment: Not observed at significant frequency in large population cohorts (gnomAD); Missense variant in a gene in which most reported pathogenic variants are truncating/loss of function; Has not been previously published as pathogenic or benign to our knowledge

NM_001267550.2(TTN):c.47885C>A (p.Thr15962Lys)

Genes: TTN (titin; minus strand), TTN-AS1 (TTN antisense RNA 1; plus strand). Cytogenetic location: 2q31.2.
Variant type: single nucleotide variant.
Coding change: c.47885C>A on transcript NM_001267550.2 (MANE Select); coding-DNA position 47885, C replaced by A.
Protein change: p.Thr15962Lys; replaces threonine 15962 with lysine.
Molecular consequence: missense variant.
Genome position (GRCh38, 1-based): chr2:178,617,004, G>T on the plus strand (C>A on the coding strand, the complement: TTN is on the minus strand). VCF-style: chr2-178617004-G-T. GRCh37 (hg19) VCF-style: chr2-179481731-G-T.
Other names: c.42962C>A, p.Thr14321Lys (NM_001256850.1); c.20690C>A, p.Thr6897Lys (NM_003319.4); c.40181C>A, p.Thr13394Lys (NM_133378.4); c.21065C>A, p.Thr7022Lys (NM_133432.3); c.21266C>A, p.Thr7089Lys (NM_133437.4); short protein forms T13394K, T14321K, T15962K, T6897K, T7022K, T7089K.
Identifiers: ClinVar variation 4686853 (VCV004686853.1).